The following is an entry in ClinVar:

NM_001042646.3(TRAK1):c.866C>T (p.Ser289Leu)

Gene: TRAK1 (trafficking kinesin protein 1; plus strand). Cytogenetic location: 3p22.1.
Variant type: single nucleotide variant.
Coding change: c.866C>T on transcript NM_001042646.3 (MANE Select); coding-DNA position 866, C replaced by T.
Protein change: p.Ser289Leu; replaces serine 289 with leucine.
Molecular consequence: missense variant. On other transcripts: non-coding transcript variant (1).
Genome position (GRCh38, 1-based): chr3:42,193,171, C>T. VCF-style: chr3-42193171-C-T. GRCh37 (hg19) VCF-style: chr3-42234663-C-T.
Other names: c.866C>T (NM_001042646.2); c.866C>T, p.Ser289Leu (NM_001265608.2, NM_001349246.2, NM_001349247.2); c.644C>T, p.Ser215Leu (NM_001265609.2, NM_001265610.1, NM_001349248.1 and 1 more transcripts); c.554C>T, p.Ser185Leu (NM_001349245.1); c.692C>T, p.Ser231Leu (NM_014965.5); short protein forms S185L, S215L, S231L, S289L.
Identifiers: ClinVar variation 1176459 (VCV001176459.42), dbSNP rs145303759, ClinGen allele CA2333264.
Genomic context (GRCh38, chr3:42,193,171, plus strand): 5'-AACTGGCCAAGAAGACGGAAGATGCTGCCCGCCAGCAAGAGGAGATCACACACCTGCTAT[C>T]GCAAATAGTTGATTTGCAGAAAAAGGCAAAAGCTGTAAGGCTTCTCTGTTTATCTGGCTG-3'
Protein context (NP_001036111.1, residues 279-299): RQQEEITHLL[Ser289Leu]QIVDLQKKAK

ClinVar aggregate classification (germline): Conflicting classifications of pathogenicity. Review status: criteria provided, conflicting classifications (1 of 4 stars). 5 submissions from 5 submitters: Uncertain significance (3); Likely benign (2). Last evaluated 2025-05-13.

Conditions:
TRAK1-related disorder. Also called: TRAK1-related condition.

Allele frequency attached by ClinVar (database versions not stated): 1000 Genomes Project 30x 0.00016; 1000 Genomes Project 0.00020; ESP Exome Variant Server 0.00062; ExAC 0.00100; gnomAD exomes 0.00101; TOPMed 0.00105; gnomAD 0.00129 and 0.00132.
gnomAD v4.1: 2,869 of 1,614,168 alleles (0.18%); highest among the groups gnomAD compares: Non-Finnish European, 0.22%; 5 homozygotes.

Submissions (5):

Labcorp Genetics (formerly Invitae), Labcorp
Classification: Likely benign. Last evaluated: 2025-05-13. Review status: criteria provided, single submitter. Criteria: Invitae Variant Classification Sherloc (09022015). Collection method: clinical testing. Allele origin: germline.

GeneDx
Classification: Uncertain significance. Last evaluated: 2025-03-04. Review status: criteria provided, single submitter. Criteria: GeneDx Variant Classification Process June 2021. Collection method: clinical testing. Allele origin: germline. Affected: yes.
Comment: In silico analysis supports that this missense variant has a deleterious effect on protein structure/function; Has not been previously published as pathogenic or benign to our knowledge

Blueprint Genetics
Classification: Uncertain significance. Last evaluated: 2024-11-21. Review status: criteria provided, single submitter. Criteria: ACMG Guidelines, 2015. Collection method: clinical testing. Allele origin: germline.

PreventionGenetics, part of Exact Sciences
Classification: Likely benign for TRAK1-related condition. Last evaluated: 2024-10-08. Review status: criteria provided, single submitter. Criteria: ACMG Guidelines, 2015. Collection method: clinical testing. Allele origin: germline.
Comment: This variant is classified as likely benign based on ACMG/AMP sequence variant interpretation guidelines (Richards et al. 2015 PMID: 25741868, with internal and published modifications).

CeGaT Center for Human Genetics Tuebingen
Classification: Uncertain significance. Last evaluated: 2023-07-01. Review status: criteria provided, single submitter. Criteria: CeGaT Center For Human Genetics Tuebingen Variant Classification Criteria Version 2. Collection method: clinical testing. Allele origin: germline. Affected: yes. Observed: 2 variant alleles.